The following is an entry in ClinVar:

NM_170606.3(KMT2C):c.1106T>C (p.Met369Thr)

Genes: KMT2C (lysine methyltransferase 2C; minus strand), LOC123956272 (Sharpr-MPRA regulatory region 15588; plus strand). Cytogenetic location: 7q36.1.
Variant type: single nucleotide variant.
Coding change: c.1106T>C on transcript NM_170606.3 (MANE Select); coding-DNA position 1106, T replaced by C.
Protein change: p.Met369Thr; replaces methionine 369 with threonine.
Molecular consequence: missense variant.
Genome position (GRCh38, 1-based): chr7:152,265,116, A>G on the plus strand (T>C on the coding strand, the complement: KMT2C is on the minus strand). VCF-style: chr7-152265116-A-G. GRCh37 (hg19) VCF-style: chr7-151962201-A-G.
Other names: short protein forms M369T.
Identifiers: ClinVar variation 2431706 (VCV002431706.1), dbSNP rs1425343303, ClinGen allele CA370092317.

ClinVar aggregate classification (germline): Uncertain significance (1 of 4 stars; one submission).

Conditions:
Kleefstra syndrome 2 (KLEFS2). Identifiers: MedGen C4540395, MONDO:0054701, OMIM 617768.

Allele frequency attached by ClinVar (database versions not stated): gnomAD 0.00002.

Submission:

Laboratorio de Genetica e Diagnostico Molecular, Hospital Israelita Albert Einstein
Classification: Uncertain significance for Kleefstra syndrome 2. Last evaluated: 2022-08-31. Review status: criteria provided, single submitter. Criteria: ACMG Guidelines, 2015. Collection method: clinical testing. Allele origin: germline. Affected: yes. Observed: 1 variant allele.
Comment: ACMG classification criteria: PM2 moderated, PP3 supporting